The following is an entry in ClinVar:

ClinVar aggregate classification (germline): Conflicting classifications of pathogenicity. Review status: criteria provided, conflicting classifications (1 of 4 stars). 3 submissions from 3 submitters: Uncertain significance (1); Likely benign (2). Last evaluated 2026-05-21.

Allele frequency attached by ClinVar (database versions not stated): gnomAD exomes below 0.00001 and 0.00001; ExAC 0.00002; TOPMed 0.00002.
gnomAD v4.1: 11 of 1,614,100 alleles (0.00068%); highest among the groups gnomAD compares: South Asian, 0.0077%; no homozygotes.

Submissions (3):

Women's Health and Genetics/Laboratory Corporation of America, LabCorp
Classification: Uncertain significance. Last evaluated: 2026-05-21. Review status: criteria provided, single submitter. Criteria: LabCorp Variant Classification Summary - May 2015. Collection method: clinical testing. Allele origin: germline.
Comment: Variant summary: COL2A1 c.214G>A (p.Val72Met) results in a conservative amino acid change in the encoded protein sequence. Algorithms developed to predict the effect of missense changes on protein structure and function all suggest that this variant is likely to be tolerated. The variant allele was found at a frequency of 4e-06 in 249564 control chromosomes. The available data on variant occurrences in the general population are insufficient to allow any conclusion about variant significance. To our knowledge, no occurrence of c.214G>A in individuals affected with COL2A1-related conditions and no experimental evidence demonstrating its impact on protein function have been reported. ClinVar contains an entry for this variant (Variation ID: 957725). Based on the evidence outlined above, the variant was classified as uncertain significance.

Blueprint Genetics
Classification: Likely benign. Last evaluated: 2024-06-28. Review status: criteria provided, single submitter. Criteria: ACMG Guidelines, 2015. Collection method: clinical testing. Allele origin: germline.

Labcorp Genetics (formerly Invitae), Labcorp
Classification: Likely benign. Last evaluated: 2023-11-03. Review status: criteria provided, single submitter. Criteria: Invitae Variant Classification Sherloc (09022015). Collection method: clinical testing. Allele origin: germline.

NM_001844.5(COL2A1):c.214G>A (p.Val72Met)

Gene: COL2A1 (collagen type II alpha 1 chain; minus strand). Cytogenetic location: 12q13.11.
Variant type: single nucleotide variant.
Coding change: c.214G>A on transcript NM_001844.5 (MANE Select); coding-DNA position 214, G replaced by A.
Protein change: p.Val72Met; replaces valine 72 with methionine.
Molecular consequence: missense variant. On other transcripts: intron variant (1).
Genome position (GRCh38, 1-based): chr12:47,999,997, C>T on the plus strand (G>A on the coding strand, the complement: COL2A1 is on the minus strand). VCF-style: chr12-47999997-C-T. GRCh37 (hg19) VCF-style: chr12-48393780-C-T.
Other names: c.86-1566G>A (NM_033150.3); short protein forms V72M.
Identifiers: ClinVar variation 957725 (VCV000957725.11), dbSNP rs755705390, ClinGen allele CA6536074.